The following is an entry in ClinVar:

ClinVar aggregate classification (germline): Pathogenic (1 of 4 stars; one submission).

Conditions:
Cohen syndrome (COH1). Also called: PEPPER SYNDROME; Cutis verticis gyrata, retinitis pigmentosa, and sensorineural deafness. Identifiers: Orphanet 193, MedGen C0265223, MONDO:0008999, OMIM 216550.

Submission:

Labcorp Genetics (formerly Invitae), Labcorp
Classification: Pathogenic for Cohen syndrome. Last evaluated: 2024-05-12. Review status: criteria provided, single submitter. Criteria: Invitae Variant Classification Sherloc (09022015). Collection method: clinical testing. Allele origin: germline.
Comment: This sequence change creates a premature translational stop signal (p.Glu3525*) in the VPS13B gene. It is expected to result in an absent or disrupted protein product. Loss-of-function variants in VPS13B are known to be pathogenic (PMID: 15141358, 16648375, 20461111). This variant is not present in population databases (gnomAD no frequency). This variant has not been reported in the literature in individuals affected with VPS13B-related conditions. For these reasons, this variant has been classified as Pathogenic.

Literature cited by the submitters: PubMed 15141358; PubMed 16648375; PubMed 20461111.

NM_152564.5(VPS13B):c.10498G>T (p.Glu3500Ter)

Gene: VPS13B (vacuolar protein sorting 13 homolog B; plus strand). Cytogenetic location: 8q22.2.
Variant type: single nucleotide variant.
Coding change: c.10498G>T on transcript NM_152564.5 (MANE Select); coding-DNA position 10498, G replaced by T.
Protein change: p.Glu3500Ter; replaces glutamic acid 3500 with a stop codon.
Molecular consequence: nonsense.
Genome position (GRCh38, 1-based): chr8:99,853,887, G>T. VCF-style: chr8-99853887-G-T. GRCh37 (hg19) VCF-style: chr8-100866115-G-T.
Other names: c.10573G>T, p.Glu3525Ter (NM_017890.5); short protein forms E3500*, E3525*.
Identifiers: ClinVar variation 3673163 (VCV003673163.2).